The following is an entry in ClinVar:

ClinVar aggregate classification (germline): Uncertain significance (1 of 4 stars; one submission).

Conditions:
DICER1-related tumor predisposition. Also called: DICER1 syndrome; DICER1-related pleuropulmonary blastoma cancer predisposition syndrome. Identifiers: Orphanet 284343, MedGen C3839822, MONDO:0100216.

Submission:

Labcorp Genetics (formerly Invitae), Labcorp
Classification: Uncertain significance for DICER1-related tumor predisposition. Last evaluated: 2022-04-28. Review status: criteria provided, single submitter. Criteria: Invitae Variant Classification Sherloc (09022015). Collection method: clinical testing. Allele origin: germline.
Comment: In summary, the available evidence is currently insufficient to determine the role of this variant in disease. Therefore, it has been classified as a Variant of Uncertain Significance. Algorithms developed to predict the effect of missense changes on protein structure and function are either unavailable or do not agree on the potential impact of this missense change (SIFT: "Deleterious"; PolyPhen-2: "Possibly Damaging"; Align-GVGD: "Class C0"). This variant has not been reported in the literature in individuals affected with DICER1-related conditions. This variant is not present in population databases (gnomAD no frequency). This sequence change replaces lysine, which is basic and polar, with glutamine, which is neutral and polar, at codon 376 of the DICER1 protein (p.Lys376Gln).

NM_177438.3(DICER1):c.1126A>C (p.Lys376Gln)

Gene: DICER1 (dicer 1, ribonuclease III; minus strand). Cytogenetic location: 14q32.13.
Variant type: single nucleotide variant.
Coding change: c.1126A>C on transcript NM_177438.3 (MANE Select); coding-DNA position 1126, A replaced by C.
Protein change: p.Lys376Gln; replaces lysine 376 with glutamine.
Molecular consequence: missense variant. On other transcripts: 5 prime UTR variant (1), non-coding transcript variant (6).
Genome position (GRCh38, 1-based): chr14:95,124,446, T>G on the plus strand (A>C on the coding strand, the complement: DICER1 is on the minus strand). VCF-style: chr14-95124446-T-G. GRCh37 (hg19) VCF-style: chr14-95590783-T-G.
Other names: c.1126A>C, p.Lys376Gln (NM_001195573.1, NM_001271282.3, NM_001291628.2 and 15 more transcripts); c.844A>C, p.Lys282Gln (NM_001395686.1); c.721A>C, p.Lys241Gln (NM_001395687.1, NM_001395688.1, NM_001395689.1 and 3 more transcripts); c.559A>C, p.Lys187Gln (NM_001395691.1); c.-443A>C (NM_001395697.1); short protein forms K282Q, K376Q, K187Q, K241Q.
Identifiers: ClinVar variation 2131591 (VCV002131591.4), dbSNP rs2543180055, ClinGen allele CA390886908.